The following is an entry in ClinVar:

ClinVar aggregate classification (germline): Benign. Review status: criteria provided, multiple submitters, no conflicts (2 of 4 stars). 4 submissions from 4 submitters: Benign (3). 1 of the submissions does not count toward it. Last evaluated 2026-02-02.

Conditions:
Spondylocostal dysostosis 6, autosomal recessive (SCDO6). Identifiers: Orphanet 2311, MedGen C4225279, MONDO:0014694, OMIM 616566.
RIPPLY2-related disorder. Also called: RIPPLY2-related condition.

Allele frequency attached by ClinVar (database versions not stated): 1000 Genomes Project 0.23742; gnomAD exomes 0.11696; ESP Exome Variant Server 0.16414; ExAC 0.12146; TOPMed 0.20498; gnomAD 0.17793 and 0.18347; 1000 Genomes Project 30x 0.24625.
gnomAD v4.1: 117,302 of 1,612,936 alleles (7.3%); highest among the groups gnomAD compares: African/African-American, 46%; 13,096 homozygotes.

Submissions (4):

Labcorp Genetics (formerly Invitae), Labcorp
Classification: Benign. Last evaluated: 2026-02-02. Review status: criteria provided, single submitter. Criteria: Invitae Variant Classification Sherloc (09022015). Collection method: clinical testing. Allele origin: germline.

Genome-Nilou Lab
Classification: Benign for Spondylocostal dysostosis 6, autosomal recessive. Last evaluated: 2021-11-07. Review status: criteria provided, single submitter. Criteria: ACMG Guidelines, 2015. Collection method: clinical testing. Allele origin: germline. Affected: no.

GeneDx
Classification: Benign. Last evaluated: 2021-06-10. Review status: criteria provided, single submitter. Criteria: GeneDx Variant Classification Process June 2021. Collection method: clinical testing. Allele origin: germline. Affected: yes.

PreventionGenetics, part of Exact Sciences
Classification: Benign for RIPPLY2-related condition. Last evaluated: 2019-09-17. Review status: no assertion criteria provided. Collection method: clinical testing. Allele origin: germline. Not counted in ClinVar's aggregate classification.
Comment: This variant is classified as benign based on ACMG/AMP sequence variant interpretation guidelines (Richards et al. 2015 PMID: 25741868, with internal and published modifications).

NM_001009994.3(RIPPLY2):c.96-4G>A

Genes: RIPPLY2-CYB5R4 (RIPPLY2-CYB5R4 readthrough; plus strand), RIPPLY2 (ripply transcriptional repressor 2; plus strand). Cytogenetic location: 6q14.2.
Variant type: single nucleotide variant.
Coding change: c.96-4G>A on transcript NM_001009994.3 (MANE Select); 4 bases into the intron before coding-DNA position 96, G replaced by A.
Molecular consequence: intron variant. On other transcripts: non-coding transcript variant (1).
Genome position (GRCh38, 1-based): chr6:83,853,691, G>A. VCF-style: chr6-83853691-G-A. GRCh37 (hg19) VCF-style: chr6-84563410-G-A.
Other names: c.96-4G>A (NM_001009994.2).
Identifiers: ClinVar variation 1166321 (VCV001166321.15), dbSNP rs2298290, ClinGen allele CA3908824.